The following is an entry in ClinVar:

NM_000051.4(ATM):c.2920T>C (p.Ser974Pro)

Gene: ATM (ATM serine/threonine kinase; plus strand). Cytogenetic location: 11q22.3.
Variant type: single nucleotide variant.
Coding change: c.2920T>C on transcript NM_000051.4 (MANE Select); coding-DNA position 2920, T replaced by C.
Protein change: p.Ser974Pro; replaces serine 974 with proline.
Molecular consequence: missense variant.
Genome position (GRCh38, 1-based): chr11:108,271,145, T>C. VCF-style: chr11-108271145-T-C. GRCh37 (hg19) VCF-style: chr11-108141872-T-C.
Other names: c.2920T>C, p.Ser974Pro (NM_001351834.2); short protein forms S974P.
Identifiers: ClinVar variation 1797713 (VCV001797713.5), dbSNP rs2135548969, ClinGen allele CA382547009.

ClinVar aggregate classification (germline): Uncertain significance. Review status: criteria provided, multiple submitters, no conflicts (2 of 4 stars). 2 submissions from 2 submitters: Uncertain significance (2). Last evaluated 2023-04-12.

Conditions:
Hereditary cancer-predisposing syndrome. Also called: Neoplastic Syndromes, Hereditary; Tumor predisposition; Hereditary neoplastic syndrome; Hereditary Cancer Syndrome. Identifiers: Orphanet 140162, MedGen C0027672, MeSH D009386, MONDO:0015356.
Ataxia-telangiectasia syndrome (AT). Also called: Ataxia-telangiectasia, complementation group D; AT, COMPLEMENTATION GROUP C; ATAXIA-TELANGIECTASIA, COMPLEMENTATION GROUP A; ATAXIA-TELANGIECTASIA, FRESNO VARIANT; Ataxia-telangiectasia; LOUIS-BAR SYNDROME. Identifiers: Orphanet 100, MedGen C0004135, MONDO:0008840, OMIM 208900.

Submissions (2):

Labcorp Genetics (formerly Invitae), Labcorp
Classification: Uncertain significance for Ataxia-telangiectasia syndrome. Last evaluated: 2023-04-12. Review status: criteria provided, single submitter. Criteria: Invitae Variant Classification Sherloc (09022015). Collection method: clinical testing. Allele origin: germline.
Comment: In summary, the available evidence is currently insufficient to determine the role of this variant in disease. Therefore, it has been classified as a Variant of Uncertain Significance. Algorithms developed to predict the effect of missense changes on protein structure and function output the following: SIFT: "Not Available"; PolyPhen-2: "Benign"; Align-GVGD: "Not Available". The proline amino acid residue is found in multiple mammalian species, which suggests that this missense change does not adversely affect protein function. ClinVar contains an entry for this variant (Variation ID: 1797713). This variant has not been reported in the literature in individuals affected with ATM-related conditions. This variant is not present in population databases (gnomAD no frequency). This sequence change replaces serine, which is neutral and polar, with proline, which is neutral and non-polar, at codon 974 of the ATM protein (p.Ser974Pro).

Ambry Genetics
Classification: Uncertain significance for Hereditary cancer-predisposing syndrome. Last evaluated: 2022-10-27. Review status: criteria provided, single submitter. Criteria: Ambry Variant Classification Scheme 2023. Collection method: clinical testing. Allele origin: germline.
Comment: The p.S974P variant (also known as c.2920T>C), located in coding exon 18 of the ATM gene, results from a T to C substitution at nucleotide position 2920. The serine at codon 974 is replaced by proline, an amino acid with similar properties. This amino acid position is conserved. In addition, this alteration is predicted to be tolerated by in silico analysis. Since supporting evidence is limited at this time, the clinical significance of this alteration remains unclear.